The following is an entry in ClinVar:

ClinVar aggregate classification (germline): Likely benign. Review status: criteria provided, multiple submitters, no conflicts (2 of 4 stars). 2 submissions from 2 submitters: Likely benign (2). Last evaluated 2026-03-09.

Conditions:
Ehlers-Danlos syndrome, classic type, 1 (EDSCL1). Also called: EDS I; EHLERS-DANLOS SYNDROME, GRAVIS TYPE; EHLERS-DANLOS SYNDROME, SEVERE CLASSIC TYPE; Ehlers-Danlos syndrome, type 1; Ehlers-Danlos Syndrome, Classic Type, COL5A1-Related. Identifiers: MedGen C0268335, MONDO:0019567, OMIM 130000.

Allele frequency attached by ClinVar (database versions not stated): gnomAD exomes below 0.00001; TOPMed 0.00002.
gnomAD v4.1: 2 of 1,550,118 alleles (0.00013%); highest among the groups gnomAD compares: African/African-American, 0.0027%; no homozygotes.

Submissions (2):

Women's Health and Genetics/Laboratory Corporation of America, LabCorp
Classification: Likely benign. Last evaluated: 2026-03-09. Review status: criteria provided, single submitter. Criteria: LabCorp Variant Classification Summary - May 2015. Collection method: clinical testing. Allele origin: germline.
Comment: Variant summary: COL5A1 c.3690+8T>G alters a nucleotide located at a position not widely known to affect splicing. Consensus agreement among computation tools predict no significant impact on normal splicing. However, these predictions have yet to be confirmed by functional studies. The variant allele was found at a frequency of 6.3e-06 in 158644 control chromosomes. The available data on variant occurrences in the general population are insufficient to allow any conclusion about variant significance. To our knowledge, no occurrence of c.3690+8T>G in individuals affected with COL5A1-related conditions and no experimental evidence demonstrating its impact on protein function have been reported. ClinVar contains an entry for this variant (Variation ID: 2915268). Based on the evidence outlined above, the variant was classified as likely benign.

Labcorp Genetics (formerly Invitae), Labcorp
Classification: Likely benign for Ehlers-Danlos syndrome, classic type, 1. Last evaluated: 2024-01-06. Review status: criteria provided, single submitter. Criteria: Invitae Variant Classification Sherloc (09022015). Collection method: clinical testing. Allele origin: germline.

NM_000093.5(COL5A1):c.3690+8T>G

Gene: COL5A1 (collagen type V alpha 1 chain; plus strand). Cytogenetic location: 9q34.3.
Variant type: single nucleotide variant.
Coding change: c.3690+8T>G on transcript NM_000093.5 (MANE Select); 8 bases into the intron after coding-DNA position 3690, T replaced by G.
Molecular consequence: intron variant.
Genome position (GRCh38, 1-based): chr9:134,811,607, T>G. VCF-style: chr9-134811607-T-G. GRCh37 (hg19) VCF-style: chr9-137703453-T-G.
Other names: c.3690+8T>G (NM_001278074.1).
Identifiers: ClinVar variation 2915268 (VCV002915268.4), dbSNP rs939291981, ClinGen allele CA201087772.